The following is an entry in ClinVar:

ClinVar aggregate classification (germline): Uncertain significance. Review status: criteria provided, multiple submitters, no conflicts (2 of 4 stars). 2 submissions from 2 submitters: Uncertain significance (2). Last evaluated 2024-08-17.

Conditions:
Hereditary cancer-predisposing syndrome. Also called: Neoplastic Syndromes, Hereditary; Tumor predisposition; Hereditary Cancer Syndrome; Hereditary neoplastic syndrome. Identifiers: Orphanet 140162, MedGen C0027672, MeSH D009386, MONDO:0015356.

Submissions (2):

Ambry Genetics
Classification: Uncertain significance for Hereditary cancer-predisposing syndrome. Last evaluated: 2024-08-17. Review status: criteria provided, single submitter. Criteria: Ambry Variant Classification Scheme 2023. Collection method: clinical testing. Allele origin: germline.
Comment: The p.N1521I variant (also known as c.4562A>T), located in coding exon 36 of the POLE gene, results from an A to T substitution at nucleotide position 4562. The asparagine at codon 1521 is replaced by isoleucine, an amino acid with dissimilar properties. This amino acid position is conserved. In addition, the in silico prediction for this alteration is inconclusive. Based on the available evidence, the clinical significance of this variant remains unclear.

Labcorp Genetics (formerly Invitae), Labcorp
Classification: Uncertain significance. Last evaluated: 2023-01-23. Review status: criteria provided, single submitter. Criteria: Invitae Variant Classification Sherloc (09022015). Collection method: clinical testing. Allele origin: germline.
Comment: This sequence change replaces asparagine, which is neutral and polar, with isoleucine, which is neutral and non-polar, at codon 1521 of the POLE protein (p.Asn1521Ile). In summary, the available evidence is currently insufficient to determine the role of this variant in disease. Therefore, it has been classified as a Variant of Uncertain Significance. Advanced modeling of protein sequence and biophysical properties (such as structural, functional, and spatial information, amino acid conservation, physicochemical variation, residue mobility, and thermodynamic stability) performed at Invitae indicates that this missense variant is not expected to disrupt POLE protein function. This variant has not been reported in the literature in individuals affected with POLE-related conditions. This variant is not present in population databases (gnomAD no frequency).

NM_006231.4(POLE):c.4562A>T (p.Asn1521Ile)

Gene: POLE (DNA polymerase epsilon, catalytic subunit; minus strand). Cytogenetic location: 12q24.33.
Variant type: single nucleotide variant.
Coding change: c.4562A>T on transcript NM_006231.4 (MANE Select); coding-DNA position 4562, A replaced by T.
Protein change: p.Asn1521Ile; replaces asparagine 1521 with isoleucine.
Molecular consequence: missense variant.
Genome position (GRCh38, 1-based): chr12:132,642,986, T>A on the plus strand (A>T on the coding strand, the complement: POLE is on the minus strand). VCF-style: chr12-132642986-T-A. GRCh37 (hg19) VCF-style: chr12-133219572-T-A.
Other names: c.4562A>T (NM_006231.2); short protein forms N1521I.
Identifiers: ClinVar variation 2831223 (VCV002831223.4), dbSNP rs1565938621, ClinGen allele CA387379344.